The following is an entry in ClinVar:

ClinVar aggregate classification (germline): Uncertain significance (1 of 4 stars; one submission).

Conditions:
Acute myeloid leukemia (AML). Also called: Acute myeloid leukemia, adult; AML adult; Acute non-lymphocytic leukemia; Acute granulocytic leukemia; Leukemia, acute myeloid, somatic; Leukemia, acute myelogenous, somatic. Identifiers: Orphanet 519, MedGen C0023467, MeSH D015470, MONDO:0018874, OMIM 601626, HP:0004808. Disease mechanism: Constitutively activated FLT3.

Allele frequency attached by ClinVar (database versions not stated): gnomAD exomes below 0.00001.

Submission:

Labcorp Genetics (formerly Invitae), Labcorp
Classification: Uncertain significance for Acute myeloid leukemia. Last evaluated: 2023-12-06. Review status: criteria provided, single submitter. Criteria: Invitae Variant Classification Sherloc (09022015). Collection method: clinical testing. Allele origin: germline.
Comment: This sequence change replaces proline, which is neutral and non-polar, with arginine, which is basic and polar, at codon 235 of the CEBPA protein (p.Pro235Arg). This variant is not present in population databases (gnomAD no frequency). This variant has not been reported in the literature in individuals affected with CEBPA-related conditions. Advanced modeling of protein sequence and biophysical properties (such as structural, functional, and spatial information, amino acid conservation, physicochemical variation, residue mobility, and thermodynamic stability) has been performed at Invitae for this missense variant, however the output from this modeling did not meet the statistical confidence thresholds required to predict the impact of this variant on CEBPA protein function. In summary, the available evidence is currently insufficient to determine the role of this variant in disease. Therefore, it has been classified as a Variant of Uncertain Significance.

NM_004364.5(CEBPA):c.704C>G (p.Pro235Arg)

Gene: CEBPA (CCAAT enhancer binding protein alpha; minus strand). Cytogenetic location: 19q13.11.
Variant type: single nucleotide variant.
Coding change: c.704C>G on transcript NM_004364.5 (MANE Select); coding-DNA position 704, C replaced by G.
Protein change: p.Pro235Arg; replaces proline 235 with arginine.
Molecular consequence: missense variant.
Genome position (GRCh38, 1-based): chr19:33,301,711, G>C on the plus strand (C>G on the coding strand, the complement: CEBPA is on the minus strand). VCF-style: chr19-33301711-G-C. GRCh37 (hg19) VCF-style: chr19-33792617-G-C.
Other names: c.347C>G, p.Pro116Arg (NM_001285829.2); c.809C>G, p.Pro270Arg (NM_001287424.2); c.662C>G, p.Pro221Arg (NM_001287435.2); short protein forms P221R, P270R, P116R, P235R.
Identifiers: ClinVar variation 2742129 (VCV002742129.3), dbSNP rs2513329558, ClinGen allele CA405274380.